The following is an entry in ClinVar:

ClinVar aggregate classification (germline): Uncertain significance (1 of 4 stars; one submission).

Conditions:
Congenital myasthenic syndrome 8. Also called: Myasthenic syndrome, congenital, 8, with pre- and postsynaptic defects; MYASTHENIC SYNDROME, CONGENITAL, DUE TO AGRIN DEFICIENCY. Identifiers: Orphanet 590, MedGen C3808739, MONDO:0014052, OMIM 615120.

Submission:

Labcorp Genetics (formerly Invitae), Labcorp
Classification: Uncertain significance for Congenital myasthenic syndrome 8. Last evaluated: 2025-01-27. Review status: criteria provided, single submitter. Criteria: Invitae Variant Classification Sherloc (09022015). Collection method: clinical testing. Allele origin: germline.
Comment: This sequence change replaces asparagine, which is neutral and polar, with serine, which is neutral and polar, at codon 90 of the AGRN protein (p.Asn90Ser). This variant is not present in population databases (gnomAD no frequency). This variant has not been reported in the literature in individuals affected with AGRN-related conditions. ClinVar contains an entry for this variant (Variation ID: 1443236). An algorithm developed to predict the effect of missense changes on protein structure and function (PolyPhen-2) suggests that this variant is likely to be tolerated. In summary, the available evidence is currently insufficient to determine the role of this variant in disease. Therefore, it has been classified as a Variant of Uncertain Significance.

NM_198576.4(AGRN):c.269A>G (p.Asn90Ser)

Genes: AGRN (agrin; plus strand), LOC126805576 (P300/CBP strongly-dependent group 1 enhancer GRCh37_chr1:956772-957971; plus strand). Cytogenetic location: 1p36.33.
Variant type: single nucleotide variant.
Coding change: c.269A>G on transcript NM_198576.4 (MANE Select); coding-DNA position 269, A replaced by G.
Protein change: p.Asn90Ser; replaces asparagine 90 with serine.
Molecular consequence: missense variant.
Genome position (GRCh38, 1-based): chr1:1,022,268, A>G. VCF-style: chr1-1022268-A-G. GRCh37 (hg19) VCF-style: chr1-957648-A-G.
Other names: c.269A>G, p.Asn90Ser (NM_001305275.2); short protein forms N90S.
Identifiers: ClinVar variation 1443236 (VCV001443236.8), dbSNP rs1260100487, ClinGen allele CA337812498.